The following is an entry in ClinVar:

NM_130839.5(UBE3A):c.2555_2574del (p.Lys852fs)

Genes: SNHG14 (small nucleolar RNA host gene 14; plus strand), UBE3A (ubiquitin protein ligase E3A; minus strand). Cytogenetic location: 15q11.2.
Variant type: Deletion.
Coding change: c.2555_2574del on transcript NM_130839.5 (MANE Select); coding-DNA positions 2555 to 2574, 20 bases deleted (AAGAAAAACTTAAAGAGAGA).
Protein change: p.Lys852fs; shifts the reading frame from lysine 852.
Molecular consequence: frameshift variant. On other transcripts: non-coding transcript variant (1).
Genome position (GRCh38, 1-based): chr15:25,339,182-25,339,201, TCTCTCTTTAAGTTTTTCTT deleted on the plus strand (AAGAAAAACTTAAAGAGAGA on the coding strand, the reverse complement: UBE3A is on the minus strand); deleting any 20 consecutive bases within chr15:25,339,182-25,339,202 gives the same sequence; the c. name uses the placement nearest the transcript's 3' end. VCF-style (leftmost placement, unchanged base first): chr15-25339181-ATCTCTCTTTAAGTTTTTCTT-A. GRCh37 (hg19) VCF-style: chr15-25584328-ATCTCTCTTTAAGTTTTTCTT-A.
Other names: c.2495_2514del20 (NM_130838.1); c.2564_2583del, p.Lys855fs (NM_000462.5); c.2555_2574del, p.Lys852fs (NM_001354505.1, NM_001354538.2); c.2495_2514del, p.Lys832fs (NM_001354506.2, NM_001354507.2, NM_001354508.2 and 14 more transcripts); c.2399_2418del, p.Lys800fs (NM_001354545.2); c.2378_2397del, p.Lys793fs (NM_001354546.2); c.2339_2358del, p.Lys780fs (NM_001354547.2, NM_001354548.2); c.2330_2349del, p.Lys777fs (NM_001354549.2); and 2 more; short protein forms K780fs, K793fs, K832fs, K800fs, K415fs, K855fs, K435fs, K777fs.
Identifiers: ClinVar variation 4997272 (VCV004997272.1).

ClinVar aggregate classification (germline): Likely pathogenic (1 of 4 stars; one submission).

Conditions:
UBE3A-related disorder. Also called: UBE3A-related condition.

Submission:

PreventionGenetics, part of Exact Sciences
Classification: Likely pathogenic for UBE3A-related condition. Last evaluated: 2024-12-17. Review status: criteria provided, single submitter. Criteria: ACMG Guidelines, 2015. Collection method: clinical testing. Allele origin: germline.
Comment: The UBE3A c.2495_2514del20 variant is predicted to result in a frameshift and premature protein termination (p.Lys832Ilefs*22). which is predicted to result in a frameshift and protein elongation p.Lys832Ilefs*22. To our knowledge, this variant has not been reported in the literature or in a large population database (gnomAD), indicating this variant is rare. Protein elongation variants in this gene have been reported to be pathogenic (see example: c.2507_2508del, p.Lys836Argfs*24 in Sadikovic et al. 2014. PubMed ID: 25212744; c.2556_*6del, p.*853Glnext*16 in Al-Maawali et al. 2013. PubMed ID: 22566713). This variant is interpreted as likely pathogenic.